The following is an entry in ClinVar:

NM_199420.4(POLQ):c.1246C>G (p.His416Asp)

Gene: POLQ (DNA polymerase theta; minus strand). Cytogenetic location: 3q13.33.
Variant type: single nucleotide variant.
Coding change: c.1246C>G on transcript NM_199420.4 (MANE Select); coding-DNA position 1246, C replaced by G.
Protein change: p.His416Asp; replaces histidine 416 with aspartic acid.
Molecular consequence: missense variant.
Genome position (GRCh38, 1-based): chr3:121,522,012, G>C on the plus strand (C>G on the coding strand, the complement: POLQ is on the minus strand). VCF-style: chr3-121522012-G-C. GRCh37 (hg19) VCF-style: chr3-121240859-G-C.
Other names: short protein forms H416D.
Identifiers: ClinVar variation 3422471 (VCV003422471.1).

ClinVar aggregate classification (germline): Uncertain significance (1 of 4 stars; one submission).

Submission:

Ambry Genetics
Classification: Uncertain significance. Last evaluated: 2024-07-26. Review status: criteria provided, single submitter. Criteria: Ambry Variant Classification Scheme 2023. Collection method: clinical testing. Allele origin: germline.
Comment: The p.H416D variant (also known as c.1246C>G), located in coding exon 8 of the POLQ gene, results from a C to G substitution at nucleotide position 1246. The histidine at codon 416 is replaced by aspartic acid, an amino acid with similar properties. This amino acid position is conserved. In addition, this alteration is predicted to be deleterious by in silico analysis. Based on the available evidence, the clinical significance of this variant remains unclear.